The following is an entry in ClinVar:

ClinVar aggregate classification (germline): Pathogenic/Likely pathogenic. Review status: criteria provided, multiple submitters, no conflicts (2 of 4 stars). 4 submissions from 4 submitters: Pathogenic (2); Likely pathogenic (2). Last evaluated 2025-09-30.

Conditions:
LOXHD1-related disorder. Also called: LOXHD1-related condition.
Autosomal recessive nonsyndromic hearing loss 77. Identifiers: Orphanet 90636, MedGen C2746083, MONDO:0013119, OMIM 613079.

gnomAD v4.1: 8 of 1,548,420 alleles (0.00052%); highest among the groups gnomAD compares: Admixed American, 0.002%; no homozygotes.

Submissions (4):

Natera, Inc.
Classification: Likely pathogenic for Autosomal recessive deafness type 77. Last evaluated: 2025-09-30. Review status: criteria provided, single submitter. Criteria: Natera Variant Classification Schema (03/2026). Collection method: clinical testing. Allele origin: germline.
Comment: The c.3924C>A variant in LOXHD1 is a nonsense variant predicted to introduce a stop codon at amino acid 1308. This variant is expected to result in nonsense mediated decay, truncation, or a dysfunctional protein product. This variant is rare in the general population with a frequency below the threshold expected for the associated phenotype(s). Given the available evidence, this variant is classified as Likely Pathogenic.

Labcorp Genetics (formerly Invitae), Labcorp
Classification: Pathogenic. Last evaluated: 2024-02-25. Review status: criteria provided, single submitter. Criteria: Invitae Variant Classification Sherloc (09022015). Collection method: clinical testing. Allele origin: germline.
Comment: This sequence change creates a premature translational stop signal (p.Tyr1308*) in the LOXHD1 gene. It is expected to result in an absent or disrupted protein product. Loss-of-function variants in LOXHD1 are known to be pathogenic (PMID: 19732867, 21465660, 25792669). This variant is present in population databases (no rsID available, gnomAD 0.004%). This variant has not been reported in the literature in individuals affected with LOXHD1-related conditions. ClinVar contains an entry for this variant (Variation ID: 1075395). For these reasons, this variant has been classified as Pathogenic.

Blueprint Genetics
Classification: Likely pathogenic for LOXHD1-related disorders. Last evaluated: 2023-09-05. Review status: criteria provided, single submitter. Criteria: ACMG Guidelines, 2015. Collection method: clinical testing. Allele origin: germline. Affected: yes. Observed: 1 variant allele.

Dasa
Classification: Pathogenic for Autosomal recessive nonsyndromic hearing loss 77. Last evaluated: 2022-11-03. Review status: criteria provided, single submitter. Criteria: ACMG Guidelines, 2015. Collection method: clinical testing. Allele origin: germline. Affected: yes. Observed: 1 variant allele.
Comment: The c.3924C>A;p.Tyr1308* variant creates a premature translational stop signal in the LOXHD1 gene. It is expected to result in an absent or disrupted protein product - PVS1. ClinVar contains an entry for this variant (Clinvar ID: 1075395) - PS4_supporting. The variant is present at low allele frequencies population databases (rs184966970 – gnomAD 0.00006373%; ABraOM no frequency) - PM2_supporting. In summary, the currently available evidence indicates that the variant is pathogenic.

Literature cited by the submitters: PubMed 19732867 (cited by Labcorp Genetics (formerly Invitae), Labcorp); PubMed 21465660 (cited by Labcorp Genetics (formerly Invitae), Labcorp); PubMed 25792669 (cited by Labcorp Genetics (formerly Invitae), Labcorp).

NM_001384474.1(LOXHD1):c.3924C>A (p.Tyr1308Ter)

Gene: LOXHD1 (lipoxygenase homology PLAT domains 1; minus strand). Cytogenetic location: 18q21.1.
Variant type: single nucleotide variant.
Coding change: c.3924C>A on transcript NM_001384474.1 (MANE Select); coding-DNA position 3924, C replaced by A.
Protein change: p.Tyr1308Ter; replaces tyrosine 1308 with a stop codon.
Molecular consequence: nonsense.
Genome position (GRCh38, 1-based): chr18:46,538,327, G>T on the plus strand (C>A on the coding strand, the complement: LOXHD1 is on the minus strand). VCF-style: chr18-46538327-G-T. GRCh37 (hg19) VCF-style: chr18-44118290-G-T.
Other names: c.591C>A, p.Tyr197Ter (NM_001145472.3); c.303C>A, p.Tyr101Ter (NM_001308013.2); c.3924C>A, p.Tyr1308Ter (NM_144612.7); short protein forms Y101*, Y1308*, Y197*.
Identifiers: ClinVar variation 1075395 (VCV001075395.11), dbSNP rs184966970, ClinGen allele CA299804911.